The following is an entry in ClinVar:

ClinVar aggregate classification (germline): Uncertain significance (1 of 4 stars; one submission).

Conditions:
Hypertrophic cardiomyopathy. Also called: HYPERTROPHIC MYOCARDIOPATHY. Identifiers: Orphanet 217569, MedGen C0007194, MeSH D002312, MONDO:0005045, HP:0001639.

Submission:

Labcorp Genetics (formerly Invitae), Labcorp
Classification: Uncertain significance for Hypertrophic cardiomyopathy. Last evaluated: 2024-03-28. Review status: criteria provided, single submitter. Criteria: Invitae Variant Classification Sherloc (09022015). Collection method: clinical testing. Allele origin: germline.
Comment: This sequence change replaces lysine, which is basic and polar, with glutamic acid, which is acidic and polar, at codon 811 of the MYBPC3 protein (p.Lys811Glu). This variant is not present in population databases (gnomAD no frequency). This variant has not been reported in the literature in individuals affected with MYBPC3-related conditions. An algorithm developed to predict the effect of missense changes on protein structure and function (PolyPhen-2) suggests that this variant is likely to be disruptive. In summary, the available evidence is currently insufficient to determine the role of this variant in disease. Therefore, it has been classified as a Variant of Uncertain Significance.

NM_000256.3(MYBPC3):c.2431A>G (p.Lys811Glu)

Gene: MYBPC3 (myosin binding protein C3; minus strand). Cytogenetic location: 11p11.2.
Variant type: single nucleotide variant.
Coding change: c.2431A>G on transcript NM_000256.3 (MANE Select); coding-DNA position 2431, A replaced by G.
Protein change: p.Lys811Glu; replaces lysine 811 with glutamic acid.
Molecular consequence: missense variant.
Genome position (GRCh38, 1-based): chr11:47,337,562, T>C on the plus strand (A>G on the coding strand, the complement: MYBPC3 is on the minus strand). VCF-style: chr11-47337562-T-C. GRCh37 (hg19) VCF-style: chr11-47359113-T-C.
Other names: short protein forms K811E.
Identifiers: ClinVar variation 3648024 (VCV003648024.2).
Genomic context (GRCh38, chr11:47,337,562, plus strand): 5'-GACTCAGCTCCTGAATCAGGTCGAAGTTCAGCCGCATCCACCGGTAGCTCTTCTTCTTCT[T>C]GCGCTCCAGGATGTAGCCTGGCTCAGGGGAGGTGGCAGCTCTGGTCTGGAACCCAGGCAT-3'
Protein context (NP_000247.2, residues 801-821): QPILGYILER[Lys811Glu]KKKSYRWMRL